The following is an entry in ClinVar:

NM_031443.4(CCM2):c.199dup (p.Val67fs)

Gene: CCM2 (CCM2 scaffold protein; plus strand). Cytogenetic location: 7p13.
Variant type: Duplication.
Coding change: c.199dup on transcript NM_031443.4 (MANE Select); coding-DNA position 199, one base duplicated (G; older notation c.199dupG).
Protein change: p.Val67fs; shifts the reading frame from valine 67.
Molecular consequence: frameshift variant. On other transcripts: non-coding transcript variant (1), intron variant (2).
Genome position (GRCh38, 1-based): chr7:45,038,421, G duplicated; the last of 2 consecutive G bases (chr7:45,038,420-45,038,421); duplicating either gives the same sequence. VCF-style (leftmost placement, unchanged base first): chr7-45038419-A-AG. GRCh37 (hg19) VCF-style: chr7-45078018-A-AG.
Other names: c.262dup, p.Val88fs (NM_001029835.2); c.199dup, p.Val67fs (NM_001167935.2, NM_001363458.2); c.31-25497dup (NM_001363459.2, NM_001167934.2); short protein forms V67fs, V88fs.
Identifiers: ClinVar variation 1998853 (VCV001998853.4), dbSNP rs2485985882, ClinGen allele CA2580077188.

ClinVar aggregate classification (germline): Pathogenic (1 of 4 stars; one submission).

Conditions:
Cerebral cavernous malformation 2. Also called: Familial Cerebral Cavernous Malformation 2. Identifiers: Orphanet 221061, MedGen C1864041, MONDO:0011304, OMIM 603284.

Submission:

Labcorp Genetics (formerly Invitae), Labcorp
Classification: Pathogenic for Cerebral cavernous malformation 2. Last evaluated: 2025-03-04. Review status: criteria provided, single submitter. Criteria: Invitae Variant Classification Sherloc (09022015). Collection method: clinical testing. Allele origin: germline.
Comment: This sequence change creates a premature translational stop signal (p.Val67Glyfs*19) in the CCM2 gene. It is expected to result in an absent or disrupted protein product. Loss-of-function variants in CCM2 are known to be pathogenic (PMID: 18300272, 24689081). This variant is not present in population databases (gnomAD no frequency). This variant has not been reported in the literature in individuals affected with CCM2-related conditions. ClinVar contains an entry for this variant (Variation ID: 1998853). For these reasons, this variant has been classified as Pathogenic.

Literature cited by the submitters: PubMed 18300272; PubMed 24689081.